The following is an entry in ClinVar:

NM_022336.4(EDAR):c.*1598T>C

Genes: EDAR (ectodysplasin A receptor; minus strand), RANBP2 (RAN binding protein 2; plus strand). Cytogenetic location: 2q13.
Variant type: single nucleotide variant.
Coding change: c.*1598T>C on transcript NM_022336.4 (MANE Select); 1598 bases downstream of the stop codon, T replaced by C.
Molecular consequence: 3 prime UTR variant.
Genome position (GRCh38, 1-based): chr2:108,895,309, A>G on the plus strand (T>C on the coding strand, the complement: EDAR is on the minus strand). VCF-style: chr2-108895309-A-G. GRCh37 (hg19) VCF-style: chr2-109511765-A-G.
Identifiers: ClinVar variation 330688 (VCV000330688.7), dbSNP rs10865025, ClinGen allele CA10611843.
Genomic context (GRCh38, chr2:108,895,309, plus strand): 5'-AAGATATGACTGATTTTCCCCCTAAAGCATTTTTTCAGTCATGCAACTTGTAATTTTTAC[A>G]ACCTCGCTTTATAAGTCAGAGACTTTGTTTTAATGTAGTAATAAACACAGACCTGCCATC-3'

ClinVar aggregate classification (germline): Benign. Review status: criteria provided, multiple submitters, no conflicts (2 of 4 stars). 2 submissions from 2 submitters: Benign (2). Last evaluated 2018-01-12.

Conditions:
Hypohidrotic ectodermal dysplasia (HED). Identifiers: Orphanet 238468, MedGen C5848103, MONDO:0016535, HP:0007607.

Allele frequency attached by ClinVar (database versions not stated): 1000 Genomes Project 0.66993; TOPMed 0.70131; gnomAD 0.70934 and 0.71357; gnomAD exomes 0.86806; 1000 Genomes Project 30x 0.66037.
gnomAD v4.1: 109,004 of 152,470 alleles (71%); highest among the groups gnomAD compares: East Asian, 91%; 42,055 homozygotes.

Submissions (2):

Illumina Laboratory Services, Illumina
Classification: Benign for Hypohidrotic ectodermal dysplasia. Last evaluated: 2018-01-12. Review status: criteria provided, single submitter. Criteria: ICSL Variant Classification Criteria 13 December 2019. Collection method: clinical testing. Allele origin: germline.
Comment: This variant was observed in the ICSL laboratory as part of a predisposition screen in an ostensibly healthy population. It had not been previously curated by ICSL or reported in the Human Gene Mutation Database (HGMD: prior to June 1st, 2018), and was therefore a candidate for classification through an automated scoring system. Utilizing variant allele frequency, disease prevalence and penetrance estimates, and inheritance mode, an automated score was calculated to assess if this variant is too frequent to cause the disease. Based on the score and internal cut-off values, a variant classified as benign is not then subjected to further curation. The score for this variant resulted in a classification of benign for this disease.

Breakthrough Genomics
Classification: Benign. Review status: criteria provided, single submitter. Criteria: ACMG Guidelines, 2015. Collection method: not provided. Allele origin: germline. Inheritance: Autosomal recessive inheritance. Affected: yes.